The following is an entry in ClinVar:

NM_002485.5(NBN):c.1640del (p.Arg546_Ser547insTer)

Gene: NBN (nibrin; minus strand). Cytogenetic location: 8q21.3.
Variant type: Deletion.
Coding change: c.1640del on transcript NM_002485.5 (MANE Select); coding-DNA position 1640, one base deleted (C; older notation c.1640delC).
Protein change: p.Arg546_Ser547insTer.
Molecular consequence: nonsense.
Genome position (GRCh38, 1-based): chr8:89,953,449, G deleted on the plus strand (C on the coding strand, the reverse complement: NBN is on the minus strand). VCF-style (leftmost placement, unchanged base first): chr8-89953448-TG-T. GRCh37 (hg19) VCF-style: chr8-90965676-TG-T.
Other names: c.1640delC (NM_002485.4); c.1394del, p.Arg464_Ser465insTer (NM_001024688.3).
Identifiers: ClinVar variation 371069 (VCV000371069.11), dbSNP rs776417262, ClinGen allele CA4802697.

ClinVar aggregate classification (germline): Pathogenic. Review status: criteria provided, multiple submitters, no conflicts (2 of 4 stars). 3 submissions from 3 submitters: Pathogenic (2). 1 of the submissions does not count toward it. Last evaluated 2023-11-28.

Conditions:
Hereditary cancer-predisposing syndrome. Also called: Tumor predisposition; Hereditary Cancer Syndrome; Hereditary neoplastic syndrome; Neoplastic Syndromes, Hereditary. Identifiers: Orphanet 140162, MedGen C0027672, MeSH D009386, MONDO:0015356.
Microcephaly, normal intelligence and immunodeficiency (NBS). Also called: Microcephaly with normal intelligence immunodeficiency and lymphoreticular malignancies; Nonsyndromal microcephaly autosomal recessive with normal intelligence; Seemanova syndrome 2; SEEMANOVA SYNDROME II; Ataxia telangiectasia variant V1; Immunodeficiency, microcephaly with normal intelligence. Identifiers: Orphanet 647, MedGen C0398791, MONDO:0009623, OMIM 251260.

Allele frequency attached by ClinVar (database versions not stated): gnomAD exomes below 0.00001; ExAC 0.00001.

Submissions (3):

Ambry Genetics
Classification: Pathogenic for Hereditary cancer-predisposing syndrome. Last evaluated: 2023-11-28. Review status: criteria provided, single submitter. Criteria: Ambry Variant Classification Scheme 2023. Collection method: clinical testing. Allele origin: germline.
Comment: The c.1640delC pathogenic mutation, located in coding exon 11 of the NBN gene, results from a deletion of one nucleotide at nucleotide position 1640, causing a translational frameshift with a predicted alternate stop codon (p.S547*). This variant is considered to be rare based on population cohorts in the Genome Aggregation Database (gnomAD). This alteration is expected to result in loss of function by premature protein truncation or nonsense-mediated mRNA decay. As such, this alteration is interpreted as a disease-causing mutation.

Labcorp Genetics (formerly Invitae), Labcorp
Classification: Pathogenic for Microcephaly, normal intelligence and immunodeficiency. Last evaluated: 2023-05-25. Review status: criteria provided, single submitter. Criteria: Invitae Variant Classification Sherloc (09022015). Collection method: clinical testing. Allele origin: germline.
Comment: This variant is present in population databases (rs776417262, gnomAD 0.0009%). This variant has not been reported in the literature in individuals affected with NBN-related conditions. ClinVar contains an entry for this variant (Variation ID: 371069). For these reasons, this variant has been classified as Pathogenic. This sequence change creates a premature translational stop signal (p.Ser547*) in the NBN gene. It is expected to result in an absent or disrupted protein product. Loss-of-function variants in NBN are known to be pathogenic (PMID: 9590180, 16415040).

Counsyl
Classification: Likely pathogenic for Microcephaly, normal intelligence and immunodeficiency. Last evaluated: 2016-06-21. Review status: no assertion criteria provided. Collection method: clinical testing. Allele origin: unknown. Not counted in ClinVar's aggregate classification.

Literature cited by the submitters: PubMed 9590180 (cited by Labcorp Genetics (formerly Invitae), Labcorp); PubMed 16415040 (cited by Labcorp Genetics (formerly Invitae), Labcorp).